The following is an entry in ClinVar:

NM_153460.4(IL17RC):c.1675C>T (p.Pro559Ser)

Gene: IL17RC (interleukin 17 receptor C; plus strand). Cytogenetic location: 3p25.3.
Variant type: single nucleotide variant.
Coding change: c.1675C>T on transcript NM_153460.4 (MANE Select); coding-DNA position 1675, C replaced by T.
Protein change: p.Pro559Ser; replaces proline 559 with serine.
Molecular consequence: missense variant. On other transcripts: non-coding transcript variant (1).
Genome position (GRCh38, 1-based): chr3:9,933,105, C>T. VCF-style: chr3-9933105-C-T. GRCh37 (hg19) VCF-style: chr3-9974789-C-T.
Other names: c.1636C>T, p.Pro546Ser (NM_001203263.2); c.1585C>T, p.Pro529Ser (NM_001203264.2); c.1579C>T, p.Pro527Ser (NM_001203265.2); c.1597C>T, p.Pro533Ser (NM_001367278.1); c.1516C>T, p.Pro506Ser (NM_001367279.1); c.1591C>T, p.Pro531Ser (NM_001367280.1); c.1630C>T, p.Pro544Ser (NM_032732.6); c.1888C>T, p.Pro630Ser (NM_153461.4); short protein forms P527S, P506S, P533S, P529S, P531S, P546S, P544S, P559S.
Identifiers: ClinVar variation 1393904 (VCV001393904.6), dbSNP rs749511204, ClinGen allele CA351705347.

ClinVar aggregate classification (germline): Uncertain significance (1 of 4 stars; one submission).

Conditions:
Candidiasis, familial, 9 (CANDF9). Identifiers: Orphanet 1334, MedGen C4225324, MONDO:0014642, OMIM 616445.

Submission:

Labcorp Genetics (formerly Invitae), Labcorp
Classification: Uncertain significance for Candidiasis, familial, 9. Last evaluated: 2024-10-29. Review status: criteria provided, single submitter. Criteria: Invitae Variant Classification Sherloc (09022015). Collection method: clinical testing. Allele origin: germline.
Comment: This sequence change replaces proline, which is neutral and non-polar, with serine, which is neutral and polar, at codon 630 of the IL17RC protein (p.Pro630Ser). This variant is not present in population databases (gnomAD no frequency). This variant has not been reported in the literature in individuals affected with IL17RC-related conditions. ClinVar contains an entry for this variant (Variation ID: 1393904). An algorithm developed to predict the effect of missense changes on protein structure and function outputs the following: PolyPhen-2: "Possibly Damaging". The serine amino acid residue is found in multiple mammalian species, which suggests that this missense change does not adversely affect protein function. In summary, the available evidence is currently insufficient to determine the role of this variant in disease. Therefore, it has been classified as a Variant of Uncertain Significance.